The following is an entry in ClinVar:

NM_006005.3(WFS1):c.2400G>C (p.Lys800Asn)

Gene: WFS1 (wolframin ER transmembrane glycoprotein; plus strand). Cytogenetic location: 4p16.1.
Variant type: single nucleotide variant.
Coding change: c.2400G>C on transcript NM_006005.3 (MANE Select); coding-DNA position 2400, G replaced by C.
Protein change: p.Lys800Asn; replaces lysine 800 with asparagine.
Molecular consequence: missense variant.
Genome position (GRCh38, 1-based): chr4:6,302,195, G>C. VCF-style: chr4-6302195-G-C. GRCh37 (hg19) VCF-style: chr4-6303922-G-C.
Other names: c.2400G>C, p.Lys800Asn (NM_001145853.1); short protein forms K800N.
Identifiers: ClinVar variation 3637017 (VCV003637017.2).
Genomic context (GRCh38, chr4:6,302,195, plus strand): 5'-CATGCCATTCAGCAGCGGCGCTGACGGCTCGCGCAGCCGCGAGGAGGACGACGTCACCAA[G>C]GACATCGTGCTGCGGGCCAGCAGCGAGTTCAAGAGCGTGCTGCTCAGCCTGCGCCAGGGC-3'
Protein context (NP_005996.2, residues 790-810): SRSREEDDVT[Lys800Asn]DIVLRASSEF

ClinVar aggregate classification (germline): Uncertain significance (1 of 4 stars; one submission).

Submission:

Labcorp Genetics (formerly Invitae), Labcorp
Classification: Uncertain significance. Last evaluated: 2024-04-25. Review status: criteria provided, single submitter. Criteria: Invitae Variant Classification Sherloc (09022015). Collection method: clinical testing. Allele origin: germline.
Comment: This sequence change replaces lysine, which is basic and polar, with asparagine, which is neutral and polar, at codon 800 of the WFS1 protein (p.Lys800Asn). This variant is not present in population databases (gnomAD no frequency). This variant has not been reported in the literature in individuals affected with WFS1-related conditions. Advanced modeling of protein sequence and biophysical properties (such as structural, functional, and spatial information, amino acid conservation, physicochemical variation, residue mobility, and thermodynamic stability) has been performed at Invitae for this missense variant, however the output from this modeling did not meet the statistical confidence thresholds required to predict the impact of this variant on WFS1 protein function. In summary, the available evidence is currently insufficient to determine the role of this variant in disease. Therefore, it has been classified as a Variant of Uncertain Significance.